The following is an entry in ClinVar:

NM_000257.4(MYH7):c.2465T>C (p.Met822Thr)

Genes: MYH7 (myosin heavy chain 7; minus strand), LOC126861898 (BRD4-independent group 4 enhancer GRCh37_chr14:23893609-23894808; plus strand). Cytogenetic location: 14q11.2.
Variant type: single nucleotide variant.
Coding change: c.2465T>C on transcript NM_000257.4 (MANE Select); coding-DNA position 2465, T replaced by C.
Protein change: p.Met822Thr; replaces methionine 822 with threonine.
Molecular consequence: missense variant.
Genome position (GRCh38, 1-based): chr14:23,424,983, A>G on the plus strand (T>C on the coding strand, the complement: MYH7 is on the minus strand). VCF-style: chr14-23424983-A-G. GRCh37 (hg19) VCF-style: chr14-23894192-A-G.
Other names: short protein forms M822T.
Identifiers: ClinVar variation 1507515 (VCV001507515.6), dbSNP rs1373092362, ClinGen allele CA389048357.

ClinVar aggregate classification (germline): Likely pathogenic (1 of 4 stars; one submission).

Conditions:
Hypertrophic cardiomyopathy. Also called: HYPERTROPHIC MYOCARDIOPATHY. Identifiers: Orphanet 217569, MedGen C0007194, MeSH D002312, MONDO:0005045, HP:0001639.

Submission:

Labcorp Genetics (formerly Invitae), Labcorp
Classification: Likely pathogenic for Hypertrophic cardiomyopathy. Last evaluated: 2023-03-23. Review status: criteria provided, single submitter. Criteria: Invitae Variant Classification Sherloc (09022015). Collection method: clinical testing. Allele origin: germline.
Comment: This sequence change replaces methionine, which is neutral and non-polar, with threonine, which is neutral and polar, at codon 822 of the MYH7 protein (p.Met822Thr). This variant is not present in population databases (gnomAD no frequency). This missense change has been observed in individual(s) with clinical features of hypertrophic cardiomyopathy (PMID: 15563892, 23283745, 35065800; Invitae). ClinVar contains an entry for this variant (Variation ID: 1507515). Advanced modeling of protein sequence and biophysical properties (such as structural, functional, and spatial information, amino acid conservation, physicochemical variation, residue mobility, and thermodynamic stability) performed at Invitae indicates that this missense variant is expected to disrupt MYH7 protein function. This variant disrupts the p.Met822 amino acid residue in MYH7. Other variant(s) that disrupt this residue have been determined to be pathogenic (PMID: 12881443). This suggests that this residue is clinically significant, and that variants that disrupt this residue are likely to be disease-causing. In summary, the currently available evidence indicates that the variant is pathogenic, but additional data are needed to prove that conclusively. Therefore, this variant has been classified as Likely Pathogenic.

Literature cited by the submitters: PubMed 15563892; PubMed 23283745; PubMed 35065800; PubMed 12881443.